The following is an entry in ClinVar:

ClinVar aggregate classification (germline): Uncertain significance. Review status: criteria provided, multiple submitters, no conflicts (2 of 4 stars). 2 submissions from 2 submitters: Uncertain significance (2). Last evaluated 2024-10-09.

Allele frequency attached by ClinVar (database versions not stated): gnomAD exomes below 0.00001; TOPMed 0.00001.
gnomAD v4.1: 1 of 1,610,848 alleles (0.000062%); highest among the groups gnomAD compares: Non-Finnish European, 0.000085%; no homozygotes.

Submissions (2):

GeneDx
Classification: Uncertain significance. Last evaluated: 2024-10-09. Review status: criteria provided, single submitter. Criteria: GeneDx Variant Classification Process June 2021. Collection method: clinical testing. Allele origin: germline. Affected: yes.
Comment: Not observed at significant frequency in large population cohorts (gnomAD); In silico analysis supports that this missense variant has a deleterious effect on protein structure/function; Has not been previously published as pathogenic or benign to our knowledge

ARUP Laboratories, Molecular Genetics and Genomics, ARUP Laboratories
Classification: Uncertain significance. Last evaluated: 2016-10-04. Review status: criteria provided, single submitter. Criteria: ARUP Molecular Germline Variant Investigation Process. Collection method: clinical testing. Allele origin: germline.

NM_001009944.3(PKD1):c.4217C>T (p.Pro1406Leu)

Gene: PKD1 (polycystin 1, transient receptor potential channel interacting; minus strand). Cytogenetic location: 16p13.3.
Variant type: single nucleotide variant.
Coding change: c.4217C>T on transcript NM_001009944.3 (MANE Select); coding-DNA position 4217, C replaced by T.
Protein change: p.Pro1406Leu; replaces proline 1406 with leucine.
Molecular consequence: missense variant.
Genome position (GRCh38, 1-based): chr16:2,110,950, G>A on the plus strand (C>T on the coding strand, the complement: PKD1 is on the minus strand). VCF-style: chr16-2110950-G-A. GRCh37 (hg19) VCF-style: chr16-2160951-G-A.
Other names: c.4217C>T, p.Pro1406Leu (NM_000296.4); c.4217C>T (NM_001009944.2); short protein forms P1406L.
Identifiers: ClinVar variation 440087 (VCV000440087.9), dbSNP rs1258742494, ClinGen allele CA394381139.